The following is an entry in ClinVar:

ClinVar aggregate classification (germline): Uncertain significance (1 of 4 stars; one submission).

Submission:

CeGaT Center for Human Genetics Tuebingen
Classification: Uncertain significance. Last evaluated: 2025-11-01. Review status: criteria provided, single submitter. Criteria: CeGaT Center For Human Genetics Tuebingen Variant Classification Criteria Version 2. Collection method: clinical testing. Allele origin: germline. Affected: yes. Observed: 1 variant allele.
Comment: PACS2: PM2

NM_001100913.3(PACS2):c.1240A>G (p.Thr414Ala)

Gene: PACS2 (phosphofurin acidic cluster sorting protein 2; plus strand). Cytogenetic location: 14q32.33.
Variant type: single nucleotide variant.
Coding change: c.1240A>G on transcript NM_001100913.3 (MANE Select); coding-DNA position 1240, A replaced by G.
Protein change: p.Thr414Ala; replaces threonine 414 with alanine.
Molecular consequence: missense variant.
Genome position (GRCh38, 1-based): chr14:105,381,071, A>G. VCF-style: chr14-105381071-A-G. GRCh37 (hg19) VCF-style: chr14-105847408-A-G.
Other names: c.1015A>G, p.Thr339Ala (NM_001243127.3); c.1240A>G, p.Thr414Ala (NM_015197.4); short protein forms T339A, T414A.
Identifiers: ClinVar variation 4535291 (VCV004535291.6).
Genomic context (GRCh38, chr14:105,381,071, plus strand): 5'-GAGGCCTCCACCCTGGATGTGTTCACGGAGAGGCTGCCGCCCAGCGGGAGGATCACCAAG[A>G]CAGAGTCCCTTGTCATCCCCTCCACCAGGTGATGGGGGCTGCACGGCGGGGCGGGGCGGT-3'
Protein context (NP_001094383.2, residues 404-424): RLPPSGRITK[Thr414Ala]ESLVIPSTRS